The following is an entry in ClinVar:

NM_000168.6(GLI3):c.3261C>T (p.Asn1087=)

Gene: GLI3 (GLI family zinc finger 3; minus strand). Cytogenetic location: 7p14.1.
Variant type: single nucleotide variant.
Coding change: c.3261C>T on transcript NM_000168.6 (MANE Select); coding-DNA position 3261, C replaced by T.
Protein change: p.Asn1087=; no amino-acid change (asparagine 1087 retained).
Molecular consequence: synonymous variant.
Genome position (GRCh38, 1-based): chr7:41,965,812, G>A on the plus strand (C>T on the coding strand, the complement: GLI3 is on the minus strand). VCF-style: chr7-41965812-G-A. GRCh37 (hg19) VCF-style: chr7-42005410-G-A.
Identifiers: ClinVar variation 779004 (VCV000779004.34), dbSNP rs370714837, ClinGen allele CA4230412.
Genomic context (GRCh38, chr7:41,965,812, plus strand): 5'-CCCTGCTTGGTTCTGGGAATTTAAATACTGCACCACGTCGTCCGGCAGGAAATCCTCATC[G>A]TTCAGGTTGGCATCAGCGTCCATGGTCAGGGACTCCAGGGTGACGTTCTCGGTGATGCTG-3'
Protein context (NP_000159.3, residues 1077-1097): SLTMDADANL[Asn1087=]DEDFLPDDVV

ClinVar aggregate classification (germline): Benign/Likely benign. Review status: criteria provided, multiple submitters, no conflicts (2 of 4 stars). 5 submissions from 5 submitters: Benign (1); Likely benign (3). 1 of the submissions does not count toward it. Last evaluated 2025-01-24.

Conditions:
Polydactyly, postaxial, type A1. Identifiers: MedGen C4282400, MONDO:0008266, OMIM 174200.
Pallister-Hall syndrome (PHS). Also called: HYPOTHALAMIC HAMARTOBLASTOMA, HYPOPITUITARISM, IMPERFORATE ANUS, AND POSTAXIAL POLYDACTYLY; GLI3-Related Pallister-Hall Syndrome. Identifiers: Orphanet 672, MedGen C0265220, MONDO:0007804, OMIM 146510.
Greig cephalopolysyndactyly syndrome (GCPS). Also called: POLYSYNDACTYLY WITH PECULIAR SKULL SHAPE; GLI3-Related Greig Cephalopolysyndactyly Syndrome; Greig syndrome. Identifiers: Orphanet 380, MedGen C0265306, MONDO:0008287, OMIM 175700.
Polysyndactyly 4. Also called: Polysyndactyly uncomplicated; Preaxial polydactyly 4. Identifiers: Orphanet 93338, MedGen C1868111, MONDO:0008272, OMIM 174700.
GLI3-related disorder. Also called: GLI3-related condition; GLI3-related disorders. Identifiers: MedGen CN239292.

Allele frequency attached by ClinVar (database versions not stated): gnomAD 0.00001 and 0.00004; TOPMed 0.00001; ESP Exome Variant Server 0.00008; 1000 Genomes Project 0.00020; 1000 Genomes Project 30x 0.00031.
gnomAD v4.1: 120 of 1,613,540 alleles (0.0074%); highest among the groups gnomAD compares: South Asian, 0.1%; no homozygotes.

Submissions (5):

Labcorp Genetics (formerly Invitae), Labcorp
Classification: Benign for Pallister-Hall syndrome; Greig cephalopolysyndactyly syndrome. Last evaluated: 2025-01-24. Review status: criteria provided, single submitter. Criteria: Invitae Variant Classification Sherloc (09022015). Collection method: clinical testing. Allele origin: germline.

Blueprint Genetics
Classification: Likely benign. Last evaluated: 2023-11-16. Review status: criteria provided, single submitter. Criteria: ACMG Guidelines, 2015. Collection method: clinical testing. Allele origin: germline.

CeGaT Center for Human Genetics Tuebingen
Classification: Likely benign. Last evaluated: 2023-05-01. Review status: criteria provided, single submitter. Criteria: CeGaT Center For Human Genetics Tuebingen Variant Classification Criteria Version 2. Collection method: clinical testing. Allele origin: germline. Affected: yes. Observed: 1 variant allele.
Comment: GLI3: BP4, BP7

Fulgent Genetics
Classification: Likely benign for Pallister-Hall syndrome; Polydactyly, postaxial, type A1; Polysyndactyly 4; Greig cephalopolysyndactyly syndrome. Last evaluated: 2022-01-04. Review status: criteria provided, single submitter. Criteria: ACMG Guidelines, 2015. Collection method: clinical testing. Allele origin: unknown.

PreventionGenetics, part of Exact Sciences
Classification: Likely benign for GLI3-related condition. Last evaluated: 2021-12-09. Review status: no assertion criteria provided. Collection method: clinical testing. Allele origin: germline. Not counted in ClinVar's aggregate classification.
Comment: This variant is classified as likely benign based on ACMG/AMP sequence variant interpretation guidelines (Richards et al. 2015 PMID: 25741868, with internal and published modifications).